The following is an entry in ClinVar:

NM_001041.4(SI):c.255+2424A>C

Gene: SI (sucrase-isomaltase; minus strand). Cytogenetic location: 3q26.1.
Variant type: single nucleotide variant.
Coding change: c.255+2424A>C on transcript NM_001041.4 (MANE Select); 2424 bases into the intron after coding-DNA position 255, A replaced by C.
Molecular consequence: intron variant.
Genome position (GRCh38, 1-based): chr3:165,072,107, T>G on the plus strand (A>C on the coding strand, the complement: SI is on the minus strand). VCF-style: chr3-165072107-T-G. GRCh37 (hg19) VCF-style: chr3-164789895-T-G.
Identifiers: ClinVar variation 4845529 (VCV004845529.1).

ClinVar aggregate classification (germline): Uncertain significance (1 of 4 stars; one submission).

gnomAD v4.1: 32 of 152,108 alleles (0.021%); highest among the groups gnomAD compares: Non-Finnish European, 0.041%; no homozygotes.

Submission:

Greenwood Genetic Center Diagnostic Laboratories, Greenwood Genetic Center
Classification: Uncertain significance. Last evaluated: 2025-12-12. Review status: criteria provided, single submitter. Criteria: ACMG Guidelines, 2015. Collection method: clinical testing. Allele origin: germline. Affected: yes.
Comment: PM2, BP4